The following is an entry in ClinVar:

ClinVar aggregate classification (germline): Uncertain significance (1 of 4 stars; one submission).

Conditions:
Lipodystrophy, partial, acquired, susceptibility to (APLD). Also called: APLD, SUSCEPTIBILITY TO. Identifiers: MedGen C3887501, MONDO:0100476, OMIM 608709.
Progressive myoclonic epilepsy type 9. Identifiers: Orphanet 457265, MedGen C4225289, MONDO:0014685, OMIM 616540.

Allele frequency attached by ClinVar (database versions not stated): gnomAD exomes 0.00001; ExAC 0.00002; ESP Exome Variant Server 0.00015.
gnomAD v4.1: 16 of 1,614,046 alleles (0.00099%); highest among the groups gnomAD compares: African/African-American, 0.0013%; no homozygotes.

Submission:

Labcorp Genetics (formerly Invitae), Labcorp
Classification: Uncertain significance for Progressive myoclonic epilepsy type 9; Lipodystrophy, partial, acquired, susceptibility to. Last evaluated: 2024-04-18. Review status: criteria provided, single submitter. Criteria: Invitae Variant Classification Sherloc (09022015). Collection method: clinical testing. Allele origin: germline.
Comment: This sequence change replaces glutamic acid, which is acidic and polar, with glycine, which is neutral and non-polar, at codon 199 of the LMNB2 protein (p.Glu199Gly). This variant is present in population databases (rs146647837, gnomAD 0.003%). This variant has not been reported in the literature in individuals affected with LMNB2-related conditions. ClinVar contains an entry for this variant (Variation ID: 1389016). Advanced modeling of protein sequence and biophysical properties (such as structural, functional, and spatial information, amino acid conservation, physicochemical variation, residue mobility, and thermodynamic stability) performed at Invitae indicates that this missense variant is not expected to disrupt LMNB2 protein function with a negative predictive value of 80%. In summary, the available evidence is currently insufficient to determine the role of this variant in disease. Therefore, it has been classified as a Variant of Uncertain Significance.

NM_032737.4(LMNB2):c.596A>G (p.Glu199Gly)

Gene: LMNB2 (lamin B2; minus strand). Cytogenetic location: 19p13.3.
Variant type: single nucleotide variant.
Coding change: c.596A>G on transcript NM_032737.4 (MANE Select); coding-DNA position 596, A replaced by G.
Protein change: p.Glu199Gly; replaces glutamic acid 199 with glycine.
Molecular consequence: missense variant.
Genome position (GRCh38, 1-based): chr19:2,438,251, T>C on the plus strand (A>G on the coding strand, the complement: LMNB2 is on the minus strand). VCF-style: chr19-2438251-T-C. GRCh37 (hg19) VCF-style: chr19-2438249-T-C.
Other names: short protein forms E199G.
Identifiers: ClinVar variation 1389016 (VCV001389016.8), dbSNP rs146647837, ClinGen allele CA9067836.